The following is an entry in ClinVar:

NM_024675.4(PALB2):c.1217_1218insTT (p.Ala406_Glu407insTer)

Gene: PALB2 (partner and localizer of BRCA2; minus strand). Cytogenetic location: 16p12.2.
Variant type: Insertion.
Coding change: c.1217_1218insTT on transcript NM_024675.4 (MANE Select); coding-DNA positions 1217 to 1218, TT inserted.
Protein change: p.Ala406_Glu407insTer.
Molecular consequence: frameshift variant. On other transcripts: intron variant (3).
Genome position: GRCh38 VCF-style: chr16-23635328-T-TAA. GRCh37 (hg19) VCF-style: chr16-23646649-T-TAA.
Other names: c.1157_1158insTT, p.Ala386_Glu387insTer (NM_001407296.1); c.1217_1218insTT, p.Ala406_Glu407insTer (NM_001407297.1, NM_001407298.1, NM_001407299.1 and 3 more transcripts); c.332_333insTT, p.Ala111_Glu112insTer (NM_001407304.1, NM_001407305.1, NM_001407306.1 and 5 more transcripts); c.48+5781_48+5782insTT (NM_001407314.1); c.-104-4860_-104-4859insTT (NM_001407313.1, NM_001407312.1).
Identifiers: ClinVar variation 2829814 (VCV002829814.4), dbSNP rs2506484896, ClinGen allele CA2739266685.

ClinVar aggregate classification (germline): Pathogenic. Review status: criteria provided, multiple submitters, no conflicts (2 of 4 stars). 2 submissions from 2 submitters: Pathogenic (2). Last evaluated 2025-02-10.

Conditions:
Hereditary cancer-predisposing syndrome. Also called: Neoplastic Syndromes, Hereditary; Tumor predisposition; Hereditary Cancer Syndrome; Hereditary neoplastic syndrome. Identifiers: Orphanet 140162, MedGen C0027672, MeSH D009386, MONDO:0015356.
Familial cancer of breast. Also called: hereditary breast carcinoma; BREAST CANCER, FAMILIAL; Hereditary breast cancer. Identifiers: Orphanet 227535, MedGen C0346153, MONDO:0016419, OMIM 114480. Disease mechanism: loss of function.

Submissions (2):

Ambry Genetics
Classification: Pathogenic for Hereditary cancer-predisposing syndrome. Last evaluated: 2025-02-10. Review status: criteria provided, single submitter. Criteria: Ambry Variant Classification Scheme 2023. Collection method: clinical testing. Allele origin: germline.
Comment: The c.1217_1218insTT pathogenic mutation, located in coding exon 4 of the PALB2 gene, results from an insertion of two nucleotides at position 1217, causing a translational frameshift with a predicted alternate stop codon (p.E407*). This alteration is expected to result in loss of function by premature protein truncation or nonsense-mediated mRNA decay. This variant is considered to be rare based on population cohorts in the Genome Aggregation Database (gnomAD). As such, this alteration is interpreted as a disease-causing mutation.

Labcorp Genetics (formerly Invitae), Labcorp
Classification: Pathogenic for Familial cancer of breast. Last evaluated: 2024-07-11. Review status: criteria provided, single submitter. Criteria: Invitae Variant Classification Sherloc (09022015). Collection method: clinical testing. Allele origin: germline.
Comment: This sequence change creates a premature translational stop signal (p.Glu407*) in the PALB2 gene. It is expected to result in an absent or disrupted protein product. Loss-of-function variants in PALB2 are known to be pathogenic (PMID: 17200668, 17200671, 17200672, 24136930, 25099575). This variant is not present in population databases (gnomAD no frequency). This variant has not been reported in the literature in individuals affected with PALB2-related conditions. For these reasons, this variant has been classified as Pathogenic.

Literature cited by the submitters: PubMed 17200668 (cited by Labcorp Genetics (formerly Invitae), Labcorp); PubMed 17200671 (cited by Labcorp Genetics (formerly Invitae), Labcorp); PubMed 17200672 (cited by Labcorp Genetics (formerly Invitae), Labcorp); PubMed 24136930 (cited by Labcorp Genetics (formerly Invitae), Labcorp); PubMed 25099575 (cited by Labcorp Genetics (formerly Invitae), Labcorp).